The following is an entry in ClinVar:

NM_005431.2(XRCC2):c.96del (p.Phe32fs)

Gene: XRCC2 (X-ray repair cross complementing 2; minus strand). Cytogenetic location: 7q36.1.
Variant type: Deletion.
Coding change: c.96del on transcript NM_005431.2 (MANE Select); coding-DNA position 96, one base deleted (T; older notation c.96delT).
Protein change: p.Phe32fs; shifts the reading frame from phenylalanine 32.
Molecular consequence: frameshift variant.
Genome position (GRCh38, 1-based): chr7:152,660,726, A deleted on the plus strand (T on the coding strand, the reverse complement: XRCC2 is on the minus strand); the first of 3 consecutive A bases (chr7:152,660,726-152,660,728); deleting any one gives the same sequence. VCF-style (leftmost placement, unchanged base first): chr7-152660725-CA-C. GRCh37 (hg19) VCF-style: chr7-152357810-CA-C.
Other names: c.95delT (NM_005431.1); short protein forms F32fs.
Identifiers: ClinVar variation 183003 (VCV000183003.68), dbSNP rs730882048, ClinGen allele CA300487.
Genomic context (GRCh38, chr7:152,660,725, plus strand): 5'-ATTTGCATTTATTTATATAAAGGTTGTATTTTTTACCATGCACAGGTGAATCTTCATCAG[CA>C]AACAGATTTGGTTCTATTTCTTTCAAGGAACTTCTACCTTCAAGTCGGGCAAGGAGCTTA-3'

ClinVar aggregate classification (germline): Conflicting classifications of pathogenicity. Review status: criteria provided, conflicting classifications (1 of 4 stars). 9 submissions from 9 submitters: Likely pathogenic (2); Uncertain significance (6). 1 of the submissions does not count toward it. Last evaluated 2025-11-18.

Conditions:
Malignant tumor of unknown origin. Also called: Metastatic Malignant Neoplasm of Unknown Primary Origin; Cancer of unknown primary site. Identifiers: Orphanet 631251, MedGen C0027667, MONDO:0858997.
Hereditary cancer-predisposing syndrome. Also called: Tumor predisposition; Neoplastic Syndromes, Hereditary; Hereditary Cancer Syndrome; Hereditary neoplastic syndrome. Identifiers: Orphanet 140162, MedGen C0027672, MeSH D009386, MONDO:0015356.
Breast carcinoma. Also called: Carcinoma of breast. Identifiers: MedGen C0678222, MONDO:0004989, HP:0003002.

Submissions (9):

Petrovsky National Research Centre of Surgery, The Federal Agency for Scientific Organizations
Classification: Uncertain significance for Malignant tumor of unknown origin. Last evaluated: 2025-11-18. Review status: criteria provided, single submitter. Criteria: ACMG Guidelines, 2015. Collection method: clinical testing. Allele origin: germline. Affected: yes.
Comment: The variant results in a frameshift with a premature stop codon and is very rare in population databases (gnomAD v4.1.0 MAF 0.00004897). In accordance with ACMG (2015) criteria, this variant is classified as Variant of Uncertain Significance (Class III) with the following criteria applied: PVS1_moderate, PM2.

Labcorp Genetics (formerly Invitae), Labcorp
Classification: Uncertain significance. Last evaluated: 2025-09-16. Review status: criteria provided, single submitter. Criteria: Invitae Variant Classification Sherloc (09022015). Collection method: clinical testing. Allele origin: germline.
Comment: This sequence change creates a premature translational stop signal (p.Phe32Leufs*30) in the XRCC2 gene. While this is not anticipated to result in nonsense mediated decay, it is expected to disrupt the last 249 amino acid(s) of the XRCC2 protein. This variant is present in population databases (rs730882048, gnomAD 0.02%). This premature translational stop signal has been observed in individual(s) with breast cancer and ovarian cancer (PMID: 25330149, 25452441, 26681312, 26845104, 30322717, 31463769, 35988656). This variant is also known as c.95delT. ClinVar contains an entry for this variant (Variation ID: 183003). In summary, the available evidence is currently insufficient to determine the role of this variant in disease. Therefore, it has been classified as a Variant of Uncertain Significance.

Laboratory of Genetics, Children's Clinical University Hospital Latvia
Classification: Likely pathogenic. Last evaluated: 2025-02-16. Review status: criteria provided, single submitter. Criteria: ACMG Guidelines, 2015. Collection method: clinical testing. Allele origin: germline. Affected: yes.

CeGaT Center for Human Genetics Tuebingen
Classification: Uncertain significance. Last evaluated: 2025-01-01. Review status: criteria provided, single submitter. Criteria: CeGaT Center For Human Genetics Tuebingen Variant Classification Criteria Version 2. Collection method: clinical testing. Allele origin: germline. Affected: yes. Observed: 4 variant alleles.
Comment: XRCC2: PVS1:Strong

Ambry Genetics
Classification: Likely pathogenic for Hereditary cancer-predisposing syndrome. Last evaluated: 2024-11-15. Review status: criteria provided, single submitter. Criteria: Ambry Variant Classification Scheme 2023. Collection method: clinical testing. Allele origin: germline.
Comment: The c.96delT variant, located in coding exon 2 of the XRCC2 gene, results from a deletion of one nucleotide at nucleotide position 96, causing a translational frameshift with a predicted alternate stop codon (p.F32Lfs*30). The predicted stop codon occurs in the 5&rsquo; end of theXRCC2 gene. Premature termination codons in the 5&rsquo; end of a gene have been reported to escape nonsense-mediated mRNAdecay and/or lead to re-initiation (Rivas et al. Science. 2015 May 8;348(6235):666-9; Lindeboom et al. Nat Genet. 2016 Oct;48(10):1112-8; Rhee et al. Sci Rep. 2017 May 10;7(1):1653). Direct evidence for this alteration is unavailable, however premature termination codons are typically deleterious in nature. This alteration has been identified in multiple individuals diagnosed with breast and/or ovarian cancer (Couch FJ et al. J. Clin. Oncol. 2015 Feb;33:304-11; Cybulski C et al. Clin. Genet. 2015 Oct;88:366-70; Shirts BH et al. Genet. Med. 2016 Oct;18:974-81; Carter NJ et al. Gynecol Oncol. 2018 12;151:481-488). Based on the majority of available evidence to date, this variant is likely to be pathogenic.

Quest Diagnostics Nichols Institute San Juan Capistrano
Classification: Uncertain significance. Last evaluated: 2024-08-27. Review status: criteria provided, single submitter. Criteria: Quest Diagnostics criteria. Collection method: clinical testing. Allele origin: unknown.
Comment: The XRCC2 c.96del (p.Phe32Leufs*30) variant alters the translational reading frame of the XRCC2 mRNA and is predicted to cause the premature termination of XRCC2 protein synthesis. This variant is not expected to trigger nonsense mediated decay (NMD), however ~89% of the protein is disrupted, and thus predicted to significantly impact protein function. In the published literature, this variant has been reported in individuals with breast cancer (PMID: 39003306 (2024), 36290365 (2022), 31463769 (2019), 31173646 (2019), 25452441 (2015), 26681312 (2015), 25330149 (2015)), ovarian cancer (PMID: 36290365 (2022), 30322717 (2018), 29053726 (2017)), melanoma (PMID: 29641532 (2018)), and gastric cancer (PMID: 36290365 (2022)). This variant has also been identified in reportedly healthy individuals (PMID: 31463769 (2019), 29641532 (2018)). The frequency of this variant in the general population, 0.00015 (19/128916 chromosomes in European (Non-Finnish) subpopulation (Genome Aggregation Database)), is higher than would generally be expected for pathogenic variants in this gene. Based on the available information, we are unable to determine the clinical significance of this variant.

GeneDx
Classification: Uncertain significance. Last evaluated: 2020-11-10. Review status: criteria provided, single submitter. Criteria: GeneDx Variant Classification Process June 2021. Collection method: clinical testing. Allele origin: germline. Affected: yes.
Comment: Case-control data do not support that this variant is associated with increased risk for breast cancer (Kluzniak 2019); Frameshift variant predicted to result in protein truncation, as the last 249 amino acids are replaced with 29 different amino acids, disrupting the critical Walker A and Walker B ATPase motifs (O'Regan 2001, Miller 2004); Observed in individuals with breast cancer, at least one of whom also harbored a pathogenic ATM variant (Cybulski 2014, Couch 2015, Shirts 2016); Variants in candidate genes are classified as variants of uncertain significance in accordance with ACMG guidelines (Richards et al., 2015); This variant is associated with the following publications: (PMID: 25330149, 26689913, 25452441, 26681312, 26845104, 30322717, 31463769)

University of Washington Department of Laboratory Medicine, University of Washington
Classification: Uncertain significance for Hereditary cancer-predisposing syndrome. Last evaluated: 2015-11-20. Review status: criteria provided, single submitter. Criteria: Shirts et al. (Genet Med 2016). Collection method: clinical testing. Allele origin: germline. Affected: yes. Observed: 1 variant allele.

Medical Genetics Laboratory, Umraniye Training and Research Hospital, University of Health Sciences
Classification: Likely pathogenic for Breast carcinoma. Last evaluated: 2021-09-11. Review status: no assertion criteria provided. Collection method: clinical testing. Allele origin: germline. Inheritance: Autosomal dominant inheritance. Affected: yes. Observed: 1 heterozygote. Not counted in ClinVar's aggregate classification.

Literature cited by the submitters: PubMed 25330149 (cited by 3 submitters); PubMed 25452441 (cited by 3 submitters); PubMed 26681312 (cited by 3 submitters); PubMed 26845104 (cited by Labcorp Genetics (formerly Invitae), Labcorp and Ambry Genetics); PubMed 30322717 (cited by 3 submitters); PubMed 31463769 (cited by Labcorp Genetics (formerly Invitae), Labcorp and Quest Diagnostics Nichols Institute San Juan Capistrano); PubMed 35988656 (cited by Labcorp Genetics (formerly Invitae), Labcorp and Quest Diagnostics Nichols Institute San Juan Capistrano); PubMed 29053726 (cited by Quest Diagnostics Nichols Institute San Juan Capistrano); PubMed 36290365 (cited by Quest Diagnostics Nichols Institute San Juan Capistrano); PubMed 31173646 (cited by Quest Diagnostics Nichols Institute San Juan Capistrano); PubMed 29641532 (cited by Quest Diagnostics Nichols Institute San Juan Capistrano); PubMed 39003306 (cited by Quest Diagnostics Nichols Institute San Juan Capistrano).